The following is an entry in ClinVar:

ClinVar aggregate classification (germline): Uncertain significance (1 of 4 stars; one submission).

Submission:

GeneDx
Classification: Uncertain significance. Last evaluated: 2026-07-25. Review status: criteria provided, single submitter. Criteria: GeneDx Variant Classification Process June 2021. Collection method: clinical testing. Allele origin: germline.
Comment: Not observed at significant frequency in large population cohorts (gnomAD); In silico analysis suggests that this missense variant does not alter protein structure/function; Has not been previously published as pathogenic or benign to our knowledge

NM_016148.5(SHANK1):c.2914G>C (p.Gly972Arg)

Gene: SHANK1 (SH3 and multiple ankyrin repeat domains 1; minus strand). Cytogenetic location: 19q13.33.
Variant type: single nucleotide variant.
Coding change: c.2914G>C on transcript NM_016148.5 (MANE Select); coding-DNA position 2914, G replaced by C.
Protein change: p.Gly972Arg; replaces glycine 972 with arginine.
Molecular consequence: missense variant.
Genome position (GRCh38, 1-based): chr19:50,669,046, C>G on the plus strand (G>C on the coding strand, the complement: SHANK1 is on the minus strand). VCF-style: chr19-50669046-C-G. GRCh37 (hg19) VCF-style: chr19-51172303-C-G.
Other names: short protein forms G972R.
Identifiers: ClinVar variation 4071878 (VCV004071878.2).